The following is an entry in ClinVar:

NM_003922.4(HERC1):c.9667C>T (p.Arg3223Ter)

Gene: HERC1 (HECT and RLD domain containing E3 ubiquitin protein ligase family member 1; minus strand). Cytogenetic location: 15q22.31.
Variant type: single nucleotide variant.
Coding change: c.9667C>T on transcript NM_003922.4 (MANE Select); coding-DNA position 9667, C replaced by T.
Protein change: p.Arg3223Ter; replaces arginine 3223 with a stop codon.
Molecular consequence: nonsense.
Genome position (GRCh38, 1-based): chr15:63,656,291, G>A on the plus strand (C>T on the coding strand, the complement: HERC1 is on the minus strand). VCF-style: chr15-63656291-G-A. GRCh37 (hg19) VCF-style: chr15-63948490-G-A.
Other names: short protein forms R3223*.
Identifiers: ClinVar variation 3613042 (VCV003613042.2).
Genomic context (GRCh38, chr15:63,656,291, plus strand): 5'-CCATGGCAGAAGGGCTGGTGGAGAGGCCAGCTCTCCCTGCTGCTGCCAAGCACATTAATC[G>A]AACTAGCGTTCGGATATCTGTTAGCCCCAGAGACTCAAGACCAGCAGCCAGGCTACAACT-3'

ClinVar aggregate classification (germline): Pathogenic (1 of 4 stars; one submission).

gnomAD v4.1: 1 of 1,613,926 alleles (0.000062%); no homozygotes.

Submission:

Labcorp Genetics (formerly Invitae), Labcorp
Classification: Pathogenic. Last evaluated: 2024-10-07. Review status: criteria provided, single submitter. Criteria: Invitae Variant Classification Sherloc (09022015). Collection method: clinical testing. Allele origin: germline.
Comment: This sequence change creates a premature translational stop signal (p.Arg3223*) in the HERC1 gene. It is expected to result in an absent or disrupted protein product. Loss-of-function variants in HERC1 are known to be pathogenic (PMID: 26138117, 26153217, 27108999). This variant is not present in population databases (gnomAD no frequency). This variant has not been reported in the literature in individuals affected with HERC1-related conditions. Algorithms developed to predict the effect of sequence changes on RNA splicing suggest that this variant may disrupt the consensus splice site. For these reasons, this variant has been classified as Pathogenic.

Literature cited by the submitters: PubMed 26138117; PubMed 26153217; PubMed 27108999.